The following is an entry in ClinVar:

NM_001814.6(CTSC):c.861_863delinsTTGGGCTTAGCCCAA (p.Glu287_Val288delinsAspTrpAlaTer)

Gene: CTSC (cathepsin C; minus strand). Cytogenetic location: 11q14.2.
Variant type: Indel.
Coding change: c.861_863delinsTTGGGCTTAGCCCAA on transcript NM_001814.6 (MANE Select); coding-DNA positions 861 to 863, GGT replaced by TTGGGCTTAGCCCAA.
Protein change: p.Glu287_Val288delinsAspTrpAlaTer.
Molecular consequence: nonsense.
Genome position (GRCh38, 1-based): chr11:88,296,159-88,296,161, ACC replaced by TTGGGCTAAGCCCAA on the plus strand (GGT replaced by TTGGGCTTAGCCCAA on the coding strand, the reverse complement: CTSC is on the minus strand). VCF-style: chr11-88296159-ACC-TTGGGCTAAGCCCAA. GRCh37 (hg19) VCF-style: chr11-88029327-ACC-TTGGGCTAAGCCCAA.
Identifiers: ClinVar variation 690367 (VCV000690367.4), dbSNP rs2496532756, ClinGen allele CA915948765.

ClinVar aggregate classification (germline): Pathogenic (1 of 4 stars; one submission).

Conditions:
Papillon-Lefèvre syndrome (PALS). Also called: KERATOSIS PALMOPLANTARIS WITH PERIODONTOPATHIA; Papillon-Lefevre Disease. Identifiers: Orphanet 678, MedGen C0030360, MONDO:0009490, OMIM 245000.

Submission:

Faculty of Allied and Health Sciences, Imperial College of Business Studies
Classification: Pathogenic for Papillon-Lefèvre syndrome. Last evaluated: 2019-08-01. Review status: criteria provided, single submitter. Criteria: ACMG Guidelines, 2015. Collection method: clinical testing. Allele origin: germline. Inheritance: Autosomal recessive inheritance. Affected: yes. Observed: 1 homozygote.
Comment: The purpose of this study was to identify the genetic cause of PLS in two siblings, born to first-cousin healthy parents. The affected siblings exhibited the classic phenotypic PLS characteristics of palmoplantar keratosis and prepubertal periodontitis. Direct sequencing of the complete coding regions of the CTSC gene in both patients revealed a novel mutation (c.861_863delGGTinsTTGGGCTTAGCCCAA) in homozygous state which is predicted to produce truncated Cathepsin C, thus resulting in the inactivation of its enzymatic activity.